The following is an entry in ClinVar:

ClinVar aggregate classification (germline): Uncertain significance. Review status: criteria provided, multiple submitters, no conflicts (2 of 4 stars). 4 submissions from 4 submitters: Uncertain significance (4). Last evaluated 2024-05-04.

Conditions:
Nijmegen breakage syndrome-like disorder (NBSLD). Also called: MICROCEPHALY AND SPONTANEOUS CHROMOSOME INSTABILITY WITHOUT IMMUNODEFICIENCY; NBS-LIKE DISORDER; RAD50 DEFICIENCY. Identifiers: Orphanet 240760, MedGen C2751318, MONDO:0013118, OMIM 613078.
Hereditary cancer-predisposing syndrome. Also called: Hereditary Cancer Syndrome; Neoplastic Syndromes, Hereditary; Tumor predisposition; Hereditary neoplastic syndrome. Identifiers: Orphanet 140162, MedGen C0027672, MeSH D009386, MONDO:0015356.

gnomAD v4.1: 2 of 1,614,052 alleles (0.00012%); no homozygotes.

Submissions (4):

Ambry Genetics
Classification: Uncertain significance for Hereditary cancer-predisposing syndrome. Last evaluated: 2024-05-04. Review status: criteria provided, single submitter. Criteria: Ambry Variant Classification Scheme 2023. Collection method: clinical testing. Allele origin: germline.
Comment: The p.Q527R variant (also known as c.1580A>G), located in coding exon 10 of the RAD50 gene, results from an A to G substitution at nucleotide position 1580. The glutamine at codon 527 is replaced by arginine, an amino acid with highly similar properties. This alteration was seen in 0/732 breast cancer patients, 0/189 colorectal cancer patients and 1/490 cancer-free elderly controls in a Turkish population (Akcay IM et al. Int J Cancer, 2021 01;148:285-295). This amino acid position is well conserved in available vertebrate species. In addition, this alteration is predicted to be tolerated by in silico analysis. Since supporting evidence is limited at this time, the clinical significance of this alteration remains unclear.

Labcorp Genetics (formerly Invitae), Labcorp
Classification: Uncertain significance for Hereditary cancer-predisposing syndrome. Last evaluated: 2023-08-30. Review status: criteria provided, single submitter. Criteria: Invitae Variant Classification Sherloc (09022015). Collection method: clinical testing. Allele origin: germline.
Comment: In summary, the available evidence is currently insufficient to determine the role of this variant in disease. Therefore, it has been classified as a Variant of Uncertain Significance. Advanced modeling of protein sequence and biophysical properties (such as structural, functional, and spatial information, amino acid conservation, physicochemical variation, residue mobility, and thermodynamic stability) performed at Invitae indicates that this missense variant is not expected to disrupt RAD50 protein function. ClinVar contains an entry for this variant (Variation ID: 480425). This variant has not been reported in the literature in individuals affected with RAD50-related conditions. This variant is not present in population databases (gnomAD no frequency). This sequence change replaces glutamine, which is neutral and polar, with arginine, which is basic and polar, at codon 527 of the RAD50 protein (p.Gln527Arg).

Quest Diagnostics Nichols Institute San Juan Capistrano
Classification: Uncertain significance. Last evaluated: 2022-09-09. Review status: criteria provided, single submitter. Criteria: Quest Diagnostics criteria. Collection method: clinical testing. Allele origin: unknown.
Comment: To the best of our knowledge, the variant has not been reported in the published literature. It also has not been reported in large, multi-ethnic general populations. Analysis of this variant using bioinformatics tools for the prediction of the effect of amino acid changes on protein structure and function yielded conflicting predictions that this variant is deleterious or benign. Based on the available information, we are unable to determine the clinical significance of this variant.

Fulgent Genetics
Classification: Uncertain significance for Nijmegen breakage syndrome-like disorder. Last evaluated: 2018-10-31. Review status: criteria provided, single submitter. Criteria: ACMG Guidelines, 2015. Collection method: clinical testing. Allele origin: unknown.

Literature cited by the submitters: PubMed 32658311 (cited by Ambry Genetics).

NM_005732.4(RAD50):c.1580A>G (p.Gln527Arg)

Gene: RAD50 (RAD50 double strand break repair protein; plus strand). Cytogenetic location: 5q31.1.
Variant type: single nucleotide variant.
Coding change: c.1580A>G on transcript NM_005732.4 (MANE Select); coding-DNA position 1580, A replaced by G.
Protein change: p.Gln527Arg; replaces glutamine 527 with arginine.
Molecular consequence: missense variant.
Genome position (GRCh38, 1-based): chr5:132,591,351, A>G. VCF-style: chr5-132591351-A-G. GRCh37 (hg19) VCF-style: chr5-131927043-A-G.
Other names: short protein forms Q527R.
Identifiers: ClinVar variation 480425 (VCV000480425.17), dbSNP rs1554098420, ClinGen allele CA360945996.
Genomic context (GRCh38, chr5:132,591,351, plus strand): 5'-TCCAAAATGAAAAAGCAGACTTAGACAGGACCCTGCGTAAACTTGACCAGGAGATGGAGC[A>G]GTTAAACCATCATACAACAACACGTACCCAAATGGAGATGCTGACCAAAGACAAAGTATG-3'
Protein context (NP_005723.2, residues 517-537): TLRKLDQEME[Gln527Arg]LNHHTTTRTQ